The following is an entry in ClinVar:

ClinVar aggregate classification (germline): Uncertain significance. Review status: criteria provided, multiple submitters, no conflicts (2 of 4 stars). 5 submissions from 5 submitters: Uncertain significance (4). 1 of the submissions does not count toward it. Last evaluated 2025-07-22.

Conditions:
Hereditary cancer-predisposing syndrome. Also called: Hereditary Cancer Syndrome; Neoplastic Syndromes, Hereditary; Tumor predisposition; Hereditary neoplastic syndrome. Identifiers: Orphanet 140162, MedGen C0027672, MeSH D009386, MONDO:0015356.
Familial cancer of breast. Also called: Hereditary breast cancer; hereditary breast carcinoma; BREAST CANCER, FAMILIAL. Identifiers: Orphanet 227535, MedGen C0346153, MONDO:0016419, OMIM 114480. Disease mechanism: loss of function.
Ataxia-telangiectasia syndrome (AT). Also called: Ataxia telangiectasia (A-T); Ataxia-telangiectasia, complementation group E; LOUIS-BAR SYNDROME; Cerebello-oculocutaneous telangiectasia; Immunodeficiency with ataxia telangiectasia; Ataxia-telangiectasia, complementation group D. Identifiers: Orphanet 100, MedGen C0004135, MONDO:0008840, OMIM 208900.

Allele frequency attached by ClinVar (database versions not stated): ExAC 0.00001.
gnomAD v4.1: 7 of 1,613,390 alleles (0.00043%); highest among the groups gnomAD compares: Admixed American, 0.0033%; no homozygotes.

Submissions (5):

Ambry Genetics
Classification: Uncertain significance for Hereditary cancer-predisposing syndrome. Last evaluated: 2025-07-22. Review status: criteria provided, single submitter. Criteria: Ambry Variant Classification Scheme 2023. Collection method: clinical testing. Allele origin: germline.
Comment: The p.R1466Q variant (also known as c.4397G>A), located in coding exon 28 of the ATM gene, results from a G to A substitution at nucleotide position 4397. The arginine at codon 1466 is replaced by glutamine, an amino acid with highly similar properties. This amino acid position is highly conserved in available vertebrate species. In addition, this alteration is predicted to be deleterious by in silico analysis. Based on the available evidence, the clinical significance of this variant remains unclear.

Labcorp Genetics (formerly Invitae), Labcorp
Classification: Uncertain significance for Ataxia-telangiectasia syndrome. Last evaluated: 2025-02-05. Review status: criteria provided, single submitter. Criteria: Invitae Variant Classification Sherloc (09022015). Collection method: clinical testing. Allele origin: germline.
Comment: This sequence change replaces arginine, which is basic and polar, with glutamine, which is neutral and polar, at codon 1466 of the ATM protein (p.Arg1466Gln). This variant is present in population databases (rs749770110, gnomAD 0.006%). This variant has not been reported in the literature in individuals affected with ATM-related conditions. ClinVar contains an entry for this variant (Variation ID: 229676). Invitae Evidence Modeling of protein sequence and biophysical properties (such as structural, functional, and spatial information, amino acid conservation, physicochemical variation, residue mobility, and thermodynamic stability) indicates that this missense variant is not expected to disrupt ATM protein function with a negative predictive value of 95%. In summary, the available evidence is currently insufficient to determine the role of this variant in disease. Therefore, it has been classified as a Variant of Uncertain Significance.

Baylor Genetics
Classification: Uncertain significance for Familial cancer of breast. Last evaluated: 2023-09-24. Review status: criteria provided, single submitter. Criteria: ACMG Guidelines, 2015. Collection method: clinical testing. Allele origin: unknown.

Color Diagnostics, LLC DBA Color Health
Classification: Uncertain significance for Hereditary cancer-predisposing syndrome. Last evaluated: 2018-12-15. Review status: criteria provided, single submitter. Criteria: ACMG Guidelines, 2015. Collection method: clinical testing. Allele origin: germline.

Natera, Inc.
Classification: Uncertain significance for Ataxia-telangiectasia. Last evaluated: 2020-09-16. Review status: no assertion criteria provided. Collection method: clinical testing. Allele origin: germline. Not counted in ClinVar's aggregate classification.

NM_000051.4(ATM):c.4397G>A (p.Arg1466Gln)

Gene: ATM (ATM serine/threonine kinase; plus strand). Cytogenetic location: 11q22.3.
Variant type: single nucleotide variant.
Coding change: c.4397G>A on transcript NM_000051.4 (MANE Select); coding-DNA position 4397, G replaced by A.
Protein change: p.Arg1466Gln; replaces arginine 1466 with glutamine.
Molecular consequence: missense variant.
Genome position (GRCh38, 1-based): chr11:108,289,762, G>A. VCF-style: chr11-108289762-G-A. GRCh37 (hg19) VCF-style: chr11-108160489-G-A.
Other names: c.4397G>A, p.Arg1466Gln (NM_001351834.2); short protein forms R1466Q.
Identifiers: ClinVar variation 229676 (VCV000229676.20), dbSNP rs749770110, ClinGen allele CA6265442.
Genomic context (GRCh38, chr11:108,289,762, plus strand): 5'-TTAGTTTATTACTGAAAGATATAAAAAGTGGCTTAGGAGGAGCTTGGGCCTTTGTTCTTC[G>A]AGACGTTATTTATACTTTGATTCACTATATCAACCAAAGGTAAATAACATATTTAGACCA-3'
Protein context (NP_000042.3, residues 1456-1476): GLGGAWAFVL[Arg1466Gln]DVIYTLIHYI